The following is an entry in ClinVar:

ClinVar aggregate classification (germline): Benign/Likely benign. Review status: criteria provided, multiple submitters, no conflicts (2 of 4 stars). 14 submissions from 14 submitters: Benign (6); Likely benign (4). 4 of the submissions do not count toward it. Last evaluated 2026-02-01.

Conditions:
ANKRD26-related disorder. Also called: ANKRD26-related condition.
Thrombocytopenia 2 (THC2). Also called: ANKRD26-Related Thrombocytopenia. Identifiers: Orphanet 268322, MedGen C1861185, MONDO:0008555, OMIM 188000.

Allele frequency attached by ClinVar (database versions not stated): 1000 Genomes Project 0.00220; 1000 Genomes Project 30x 0.00297; TOPMed 0.00377; ExAC 0.00392; gnomAD exomes 0.00419 and 0.00562; gnomAD 0.00430 and 0.00437; ESP Exome Variant Server 0.00439.
gnomAD v4.1: 8,752 of 1,613,592 alleles (0.54%); highest among the groups gnomAD compares: Non-Finnish European, 0.65%; 29 homozygotes.

Submissions (14):

Labcorp Genetics (formerly Invitae), Labcorp
Classification: Benign. Last evaluated: 2026-02-01. Review status: criteria provided, single submitter. Criteria: Invitae Variant Classification Sherloc (09022015). Collection method: clinical testing. Allele origin: germline.

CeGaT Center for Human Genetics Tuebingen
Classification: Benign. Last evaluated: 2025-08-01. Review status: criteria provided, single submitter. Criteria: CeGaT Center For Human Genetics Tuebingen Variant Classification Criteria Version 2. Collection method: clinical testing. Allele origin: germline. Affected: yes. Observed: 1 variant allele.
Comment: ANKRD26: BP4, BS1, BS2

ARUP Laboratories, Molecular Genetics and Genomics, ARUP Laboratories
Classification: Likely benign for Thrombocytopenia 2. Last evaluated: 2025-06-19. Review status: criteria provided, single submitter. Criteria: ARUP Molecular Germline Variant Investigation Process 2024. Collection method: clinical testing. Allele origin: germline.

Blueprint Genetics
Classification: Likely benign. Last evaluated: 2024-11-19. Review status: criteria provided, single submitter. Criteria: ACMG Guidelines, 2015. Collection method: clinical testing. Allele origin: germline.

Mayo Clinic Laboratories, Mayo Clinic
Classification: Benign. Last evaluated: 2024-02-13. Review status: criteria provided, single submitter. Criteria: ACMG Guidelines, 2015. Collection method: clinical testing. Allele origin: germline. Observed: 10 variant alleles.
Comment: BS1, BS2, BP4

Genome-Nilou Lab
Classification: Benign for Thrombocytopenia 2. Last evaluated: 2021-12-05. Review status: criteria provided, single submitter. Criteria: ACMG Guidelines, 2015. Collection method: clinical testing. Allele origin: germline. Affected: no.

GeneDx
Classification: Likely benign. Last evaluated: 2021-09-13. Review status: criteria provided, single submitter. Criteria: GeneDx Variant Classification Process June 2021. Collection method: clinical testing. Allele origin: germline. Affected: yes.

Genetics and Molecular Pathology, SA Pathology
Classification: Benign for Thrombocytopenia 2. Last evaluated: 2019-10-10. Review status: criteria provided, single submitter. Criteria: ACMG Guidelines, 2015. Collection method: clinical testing. Allele origin: germline. Inheritance: Autosomal dominant inheritance. Affected: yes.

Illumina Laboratory Services, Illumina
Classification: Benign for Thrombocytopenia 2. Last evaluated: 2018-01-13. Review status: criteria provided, single submitter. Criteria: ICSL Variant Classification Criteria 13 December 2019. Collection method: clinical testing. Allele origin: germline.
Comment: This variant was observed in the ICSL laboratory as part of a predisposition screen in an ostensibly healthy population. It had not been previously curated by ICSL or reported in the Human Gene Mutation Database (HGMD: prior to June 1st, 2018), and was therefore a candidate for classification through an automated scoring system. Utilizing variant allele frequency, disease prevalence and penetrance estimates, and inheritance mode, an automated score was calculated to assess if this variant is too frequent to cause the disease. Based on the score and internal cut-off values, a variant classified as benign is not then subjected to further curation. The score for this variant resulted in a classification of benign for this disease.

Breakthrough Genomics
Classification: Likely benign. Review status: criteria provided, single submitter. Criteria: ACMG Guidelines, 2015. Collection method: not provided. Allele origin: germline. Inheritance: Autosomal dominant inheritance. Affected: yes.

PreventionGenetics, part of Exact Sciences
Classification: Benign for ANKRD26-related condition. Last evaluated: 2020-09-23. Review status: no assertion criteria provided. Collection method: clinical testing. Allele origin: germline. Not counted in ClinVar's aggregate classification.
Comment: This variant is classified as benign based on ACMG/AMP sequence variant interpretation guidelines (Richards et al. 2015 PMID: 25741868, with internal and published modifications).

Clinical Genetics DNA and cytogenetics Diagnostics Lab, Erasmus MC, Erasmus Medical Center
Classification: Likely benign. Review status: no assertion criteria provided. Collection method: clinical testing. Allele origin: germline. Affected: yes. Study: VKGL Data-share Consensus. Not counted in ClinVar's aggregate classification.

Department of Pathology and Laboratory Medicine, Sinai Health System
Classification: Likely benign. Review status: no assertion criteria provided. Collection method: clinical testing. Allele origin: unknown. Affected: yes. Study: The Canadian Open Genetics Repository (COGR). Not counted in ClinVar's aggregate classification.
Comment: The ANKRD26 p.Ile1482Thr variant was not identified in the literature but was identified in dbSNP (ID: rs80097260), ClinVar (classified as uncertain significance by GeneDx) and LOVD 3.0 (classified as likely benign). The variant was identified in control databases in 1222 of 280530 chromosomes (3 homozygous) at a frequency of 0.004356 increasing the likelihood this could be a low frequency benign variant (Genome Aggregation Database March 6, 2019, v2.1.1). The variant was observed in the following populations: European (Finnish) in 224 of 24996 chromosomes (freq: 0.008961), European (non-Finnish) in 830 of 128428 chromosomes (freq: 0.006463), Other in 33 of 7132 chromosomes (freq: 0.004627), Latino in 99 of 35336 chromosomes (freq: 0.002802), African in 29 of 24190 chromosomes (freq: 0.001199), South Asian in 5 of 30586 chromosomes (freq: 0.000164), Ashkenazi Jewish in 1 of 10356 chromosomes (freq: 0.000097), and East Asian in 1 of 19506 chromosomes (freq: 0.000051). The p.Ile1482 residue is not conserved in mammals and four out of five computational analyses (PolyPhen-2, SIFT, AlignGVGD, BLOSUM, MutationTaster) do not suggest a high likelihood of impact to the protein; however, this information is not predictive enough to rule out pathogenicity. The variant occurs outside of the splicing consensus sequence and in silico or computational prediction software programs (SpliceSiteFinder, MaxEntScan, NNSPLICE, GeneSplicer) do not predict a difference in splicing. In summary, based on the above information the clinical significance of this variant cannot be determined with certainty at this time although we would lean towards a more benign role for this variant. This variant is classified as likely benign.

Laboratory of Diagnostic Genome Analysis, Leiden University Medical Center (LUMC)
Classification: Likely benign. Review status: no assertion criteria provided. Collection method: clinical testing. Allele origin: germline. Affected: yes. Study: VKGL Data-share Consensus. Not counted in ClinVar's aggregate classification.

NM_014915.3(ANKRD26):c.4445T>C (p.Ile1482Thr)

Gene: ANKRD26 (ankyrin repeat domain 26; minus strand). Cytogenetic location: 10p12.1.
Variant type: single nucleotide variant.
Coding change: c.4445T>C on transcript NM_014915.3 (MANE Select); coding-DNA position 4445, T replaced by C.
Protein change: p.Ile1482Thr; replaces isoleucine 1482 with threonine.
Molecular consequence: missense variant.
Genome position (GRCh38, 1-based): chr10:27,017,563, A>G on the plus strand (T>C on the coding strand, the complement: ANKRD26 is on the minus strand). VCF-style: chr10-27017563-A-G. GRCh37 (hg19) VCF-style: chr10-27306492-A-G.
Other names: p.Ile1482Thr; c.4442T>C, p.Ile1481Thr (NM_001256053.2); short protein forms I1482T, I1481T.
Identifiers: ClinVar variation 432600 (VCV000432600.37), dbSNP rs80097260, ClinGen allele CA5447789.